The following is an entry in ClinVar:

ClinVar aggregate classification (germline): Benign. Review status: criteria provided, single submitter (1 of 4 stars). 2 submissions from 2 submitters: Benign (1). 1 of the submissions does not count toward it. Last evaluated 2025-06-12.

Conditions:
NR3C2-related disorder. Also called: NR3C2-related condition; NR3C2-related disorders.

Allele frequency attached by ClinVar (database versions not stated): gnomAD exomes 0.00009; ExAC 0.00029; TOPMed 0.00080; gnomAD 0.00088; ESP Exome Variant Server 0.00092; 1000 Genomes Project 0.00120; 1000 Genomes Project 30x 0.00125.
gnomAD v4.1: 268 of 1,614,186 alleles (0.017%); highest among the groups gnomAD compares: African/African-American, 0.31%; no homozygotes.

Submissions (2):

Labcorp Genetics (formerly Invitae), Labcorp
Classification: Benign. Last evaluated: 2025-06-12. Review status: criteria provided, single submitter. Criteria: Invitae Variant Classification Sherloc (09022015). Collection method: clinical testing. Allele origin: germline.

PreventionGenetics, part of Exact Sciences
Classification: Benign for NR3C2-related condition. Last evaluated: 2019-04-30. Review status: no assertion criteria provided. Collection method: clinical testing. Allele origin: germline. Not counted in ClinVar's aggregate classification.
Comment: This variant is classified as benign based on ACMG/AMP sequence variant interpretation guidelines (Richards et al. 2015 PMID: 25741868, with internal and published modifications).

NM_000901.5(NR3C2):c.555C>T (p.Ile185=)

Gene: NR3C2 (nuclear receptor subfamily 3 group C member 2; minus strand). Cytogenetic location: 4q31.23.
Variant type: single nucleotide variant.
Coding change: c.555C>T on transcript NM_000901.5 (MANE Select); coding-DNA position 555, C replaced by T.
Protein change: p.Ile185=; no amino-acid change (isoleucine 185 retained).
Molecular consequence: synonymous variant. On other transcripts: non-coding transcript variant (1).
Genome position (GRCh38, 1-based): chr4:148,436,306, G>A on the plus strand (C>T on the coding strand, the complement: NR3C2 is on the minus strand). VCF-style: chr4-148436306-G-A. GRCh37 (hg19) VCF-style: chr4-149357458-G-A.
Other names: c.555C>T, p.Ile185= (NM_001166104.2, NM_001354819.1); c.555C>T (NM_000901.4).
Identifiers: ClinVar variation 2161547 (VCV002161547.6), dbSNP rs72645688, ClinGen allele CA3100446.
Genomic context (GRCh38, chr4:148,436,306, plus strand): 5'-GCAAACCGAAGATGTCATGTTCAGAGGGCTGCAAACAGACGGGCTTTTCTCATGACACAT[G>A]ATAGGGCTTTTAACAACGGCGCGCATGACGCCACCATTCACGGAGCTCCCAGAGTCAGAC-3'
Protein context (NP_000892.2, residues 175-195): GVMRAVVKSP[Ile185=]MCHEKSPSVC